The following is an entry in ClinVar:

NM_001384732.1(CPLANE1):c.1371+5A>G

Gene: CPLANE1 (ciliogenesis and planar polarity effector complex subunit 1; minus strand). Cytogenetic location: 5p13.2.
Variant type: single nucleotide variant.
Coding change: c.1371+5A>G on transcript NM_001384732.1 (MANE Select); 5 bases into the intron after coding-DNA position 1371, A replaced by G.
Molecular consequence: intron variant.
Genome position (GRCh38, 1-based): chr5:37,227,563, T>C on the plus strand (A>G on the coding strand, the complement: CPLANE1 is on the minus strand). VCF-style: chr5-37227563-T-C. GRCh37 (hg19) VCF-style: chr5-37227665-T-C.
Other names: c.1371+5A>G (NM_023073.4).
Identifiers: ClinVar variation 193738 (VCV000193738.7), dbSNP rs794727005, ClinGen allele CA239359.
Genomic context (GRCh38, chr5:37,227,563, plus strand): 5'-CAGTAAAGTTTTAAATTTGAAAAGAAAAAGGCAACTTTCCCCAATGATATAAAAAAGCAC[T>C]ATACCTTAGACAATATCACACTTTGATATATTTTCTCAAGCCTCTGGGTTGAATCAAGTA-3'

ClinVar aggregate classification (germline): Uncertain significance. Review status: criteria provided, multiple submitters, no conflicts (2 of 4 stars). 3 submissions from 3 submitters: Uncertain significance (3). Last evaluated 2022-06-22.

Conditions:
Joubert syndrome 17 (JBTS17). Identifiers: Orphanet 475, MedGen C3553264, MONDO:0013824, OMIM 614615.
Orofaciodigital syndrome type 6 (OFD6). Also called: Oral-facial-digital syndrome type 6; Central polydactyly cleft lip/palate or lingual lump and psychomotor retardation; Y-shaped central metacarpal and cerebellar defect; Joubert syndrome with orofacialdigital anomalies; OROFACIODIGITAL SYNDROME VI; OFDS VI. Identifiers: Orphanet 2754, MedGen C2745997, MONDO:0010176, OMIM 277170.

Allele frequency attached by ClinVar (database versions not stated): TOPMed 0.00003; gnomAD 0.00005 and 0.00006.
gnomAD v4.1: 8 of 1,537,260 alleles (0.00052%); highest among the groups gnomAD compares: African/African-American, 0.011%; no homozygotes.

Submissions (3):

Labcorp Genetics (formerly Invitae), Labcorp
Classification: Uncertain significance. Last evaluated: 2022-06-22. Review status: criteria provided, single submitter. Criteria: Invitae Variant Classification Sherloc (09022015). Collection method: clinical testing. Allele origin: germline.
Comment: This sequence change falls in intron 10 of the CPLANE1 gene. It does not directly change the encoded amino acid sequence of the CPLANE1 protein. It affects a nucleotide within the consensus splice site. This variant is not present in population databases (gnomAD no frequency). This variant has not been reported in the literature in individuals affected with CPLANE1-related conditions. ClinVar contains an entry for this variant (Variation ID: 193738). Variants that disrupt the consensus splice site are a relatively common cause of aberrant splicing (PMID: 17576681, 9536098). Algorithms developed to predict the effect of sequence changes on RNA splicing suggest that this variant is not likely to affect RNA splicing. In summary, the available evidence is currently insufficient to determine the role of this variant in disease. Therefore, it has been classified as a Variant of Uncertain Significance.

Fulgent Genetics
Classification: Uncertain significance for Orofaciodigital syndrome type 6; Joubert syndrome 17. Last evaluated: 2021-12-21. Review status: criteria provided, single submitter. Criteria: ACMG Guidelines, 2015. Collection method: clinical testing. Allele origin: unknown.

Eurofins Ntd Llc (ga)
Classification: Uncertain significance. Last evaluated: 2014-12-08. Review status: criteria provided, single submitter. Criteria: EGL Classification Definitions 2015. Collection method: clinical testing. Allele origin: germline. Observed: 1 variant allele, 1 heterozygote.

Literature cited by the submitters: PubMed 17576681 (cited by Labcorp Genetics (formerly Invitae), Labcorp); PubMed 9536098 (cited by Labcorp Genetics (formerly Invitae), Labcorp).